The following is an entry in ClinVar:

NM_000138.5(FBN1):c.538G>A (p.Asp180Asn)

Gene: FBN1 (fibrillin 1; minus strand). Cytogenetic location: 15q21.1.
Variant type: single nucleotide variant.
Coding change: c.538G>A on transcript NM_000138.5 (MANE Select); coding-DNA position 538, G replaced by A.
Protein change: p.Asp180Asn; replaces aspartic acid 180 with asparagine.
Molecular consequence: missense variant.
Genome position (GRCh38, 1-based): chr15:48,596,283, C>T on the plus strand (G>A on the coding strand, the complement: FBN1 is on the minus strand). VCF-style: chr15-48596283-C-T. GRCh37 (hg19) VCF-style: chr15-48888480-C-T.
Other names: c.538G>A, p.Asp180Asn (NM_001406716.1, NM_001406717.1); short protein forms D180N.
Identifiers: ClinVar variation 4793753 (VCV004793753.1).
Genomic context (GRCh38, chr15:48,596,283, plus strand): 5'-AATTAGTAACAGCTTTAGGTACCAGCATGTCTTTACGTAAATGATTTTAAAAACCATTAC[C>T]TCTTTCACACTGGGGTCCAGTAAATCCGTAAGTGCATGCACATCGATTTGGGGCCACACA-3'
Protein context (NP_000129.3, residues 170-190): YGFTGPQCER[Asp180Asn]YRTGPCFTVI

ClinVar aggregate classification (germline): Uncertain significance (1 of 4 stars; one submission).

Conditions:
Marfan syndrome (MFS). Also called: FBN1-Related Marfan Syndrome; MARFAN SYNDROME, TYPE I; Marfan syndrome type 1; Marfan's syndrome; Marfan syndrome, classic. Identifiers: Orphanet 284963, Orphanet 558, MedGen C0024796, MONDO:0007947, OMIM 154700.
Familial thoracic aortic aneurysm and aortic dissection (TAAD). Also called: Thoracic aortic aneurysms and dissections. Identifiers: Orphanet 91387, MedGen C4707243, MONDO:0019625.

Submission:

Labcorp Genetics (formerly Invitae), Labcorp
Classification: Uncertain significance for Marfan syndrome; Familial thoracic aortic aneurysm and aortic dissection. Last evaluated: 2025-03-31. Review status: criteria provided, single submitter. Criteria: Invitae Variant Classification Sherloc (09022015). Collection method: clinical testing. Allele origin: germline.
Comment: This sequence change replaces aspartic acid, which is acidic and polar, with asparagine, which is neutral and polar, at codon 180 of the FBN1 protein (p.Asp180Asn). This variant also falls at the last nucleotide of exon 6, which is part of the consensus splice site for this exon. This variant is not present in population databases (gnomAD no frequency). This missense change has been observed in individual(s) with clinical features of Marfan syndrome (internal data). An algorithm developed to predict the effect of missense changes on protein structure and function (PolyPhen-2) suggests that this variant is likely to be disruptive. Variants that disrupt the consensus splice site are a relatively common cause of aberrant splicing (PMID: 17576681, 9536098). Algorithms developed to predict the effect of sequence changes on RNA splicing suggest that this variant may disrupt the consensus splice site. This variant disrupts the p.Asp180 amino acid residue in FBN1. Other variant(s) that disrupt this residue have been observed in individuals with FBN1-related conditions (PMID: 20538085), which suggests that this may be a clinically significant amino acid residue. In summary, the available evidence is currently insufficient to determine the role of this variant in disease. Therefore, it has been classified as a Variant of Uncertain Significance.

Literature cited by the submitters: PubMed 17576681; PubMed 9536098; PubMed 20538085.